The following is an entry in ClinVar:

ClinVar aggregate classification (germline): Uncertain significance (1 of 4 stars; one submission).

Submission:

Labcorp Genetics (formerly Invitae), Labcorp
Classification: Uncertain significance. Last evaluated: 2019-11-16. Review status: criteria provided, single submitter. Criteria: Invitae Variant Classification Sherloc (09022015). Collection method: clinical testing. Allele origin: germline.
Comment: This sequence change replaces glutamic acid with glutamine at codon 168 of the FH protein (p.Glu168Gln). The glutamic acid residue is moderately conserved and there is a small physicochemical difference between glutamic acid and glutamine. This variant is not present in population databases (ExAC no frequency). This variant has not been reported in the literature in individuals with FH-related disease. Algorithms developed to predict the effect of missense changes on protein structure and function (SIFT, PolyPhen-2, Align-GVGD) all suggest that this variant is likely to be tolerated, but these predictions have not been confirmed by published functional studies and their clinical significance is uncertain. In summary, the available evidence is currently insufficient to determine the role of this variant in disease. Therefore, it has been classified as a Variant of Uncertain Significance.

NM_000143.4(FH):c.502G>C (p.Glu168Gln)

Gene: FH (fumarate hydratase; minus strand). Cytogenetic location: 1q43.
Variant type: single nucleotide variant.
Coding change: c.502G>C on transcript NM_000143.4 (MANE Select); coding-DNA position 502, G replaced by C.
Protein change: p.Glu168Gln; replaces glutamic acid 168 with glutamine.
Molecular consequence: missense variant.
Genome position (GRCh38, 1-based): chr1:241,512,020, C>G on the plus strand (G>C on the coding strand, the complement: FH is on the minus strand). VCF-style: chr1-241512020-C-G. GRCh37 (hg19) VCF-style: chr1-241675320-C-G.
Other names: short protein forms E168Q.
Identifiers: ClinVar variation 643632 (VCV000643632.11), dbSNP rs1573885382, ClinGen allele CA345439960.